The following is an entry in ClinVar:

NM_001367624.2(ZNF469):c.11399G>A (p.Gly3800Glu)

Gene: ZNF469 (zinc finger protein 469; plus strand). Cytogenetic location: 16q24.2.
Variant type: single nucleotide variant.
Coding change: c.11399G>A on transcript NM_001367624.2 (MANE Select); coding-DNA position 11399, G replaced by A.
Protein change: p.Gly3800Glu; replaces glycine 3800 with glutamic acid.
Molecular consequence: missense variant.
Genome position (GRCh38, 1-based): chr16:88,438,869, G>A. VCF-style: chr16-88438869-G-A. GRCh37 (hg19) VCF-style: chr16-88505277-G-A.
Other names: NM_001127464.1:c.11315G>A; short protein forms G3800E.
Identifiers: ClinVar variation 3476286 (VCV003476286.1).

ClinVar aggregate classification (germline): Uncertain significance (1 of 4 stars; one submission).

Conditions:
Cardiovascular phenotype. Identifiers: MedGen CN230736.

Submission:

Ambry Genetics
Classification: Uncertain significance for Cardiovascular phenotype. Last evaluated: 2024-11-30. Review status: criteria provided, single submitter. Criteria: Ambry Variant Classification Scheme 2023. Collection method: clinical testing. Allele origin: germline.
Comment: The p.G3772E variant (also known as c.11315G>A), located in coding exon 2 of the ZNF469 gene, results from a G to A substitution at nucleotide position 11315. The glycine at codon 3772 is replaced by glutamic acid, an amino acid with similar properties. This amino acid position is conserved. In addition, this alteration is predicted to be tolerated by in silico analysis. Based on the available evidence, the clinical significance of this variant remains unclear.